The following is an entry in ClinVar:

ClinVar aggregate classification (germline): Uncertain significance. Review status: criteria provided, multiple submitters, no conflicts (2 of 4 stars). 2 submissions from 2 submitters: Uncertain significance (2). Last evaluated 2025-11-03.

Conditions:
Inborn genetic diseases. Identifiers: MedGen C0950123, MeSH D030342.
Hepatic veno-occlusive disease-immunodeficiency syndrome. Also called: Hepatic Veno-Occlusive Disease with Immunodeficiency. Identifiers: Orphanet 79124, MedGen C1856128, MONDO:0009338, OMIM 235550. Disease mechanism: loss of function.

Allele frequency attached by ClinVar (database versions not stated): TOPMed below 0.00001.

Submissions (2):

Labcorp Genetics (formerly Invitae), Labcorp
Classification: Uncertain significance for Hepatic veno-occlusive disease-immunodeficiency syndrome. Last evaluated: 2025-11-03. Review status: criteria provided, single submitter. Criteria: Invitae Variant Classification Sherloc (09022015). Collection method: clinical testing. Allele origin: germline.
Comment: This sequence change replaces isoleucine, which is neutral and non-polar, with valine, which is neutral and non-polar, at codon 352 of the SP110 protein (p.Ile352Val). This variant is not present in population databases (gnomAD no frequency). This variant has not been reported in the literature in individuals affected with SP110-related conditions. ClinVar contains an entry for this variant (Variation ID: 1376222). An algorithm developed to predict the effect of missense changes on protein structure and function (PolyPhen-2) suggests that this variant is likely to be tolerated. In summary, the available evidence is currently insufficient to determine the role of this variant in disease. Therefore, it has been classified as a Variant of Uncertain Significance.

Ambry Genetics
Classification: Uncertain significance for Inborn genetic diseases. Last evaluated: 2025-08-01. Review status: criteria provided, single submitter. Criteria: Ambry Variant Classification Scheme 2023. Collection method: clinical testing. Allele origin: germline.

NM_080424.4(SP110):c.1054A>G (p.Ile352Val)

Genes: SP140 (SP140 nuclear body protein; plus strand), SP110 (SP110 nuclear body protein; minus strand). Cytogenetic location: 2q37.1.
Variant type: single nucleotide variant.
Coding change: c.1054A>G on transcript NM_080424.4 (MANE Select); coding-DNA position 1054, A replaced by G.
Protein change: p.Ile352Val; replaces isoleucine 352 with valine.
Molecular consequence: missense variant.
Genome position (GRCh38, 1-based): chr2:230,200,960, T>C on the plus strand (A>G on the coding strand, the complement: SP110 is on the minus strand). VCF-style: chr2-230200960-T-C. GRCh37 (hg19) VCF-style: chr2-231065676-T-C.
Other names: c.1072A>G, p.Ile358Val (NM_001185015.2, NM_001378442.1, NM_001378444.1 and 2 more transcripts); c.1054A>G, p.Ile352Val (NM_001378443.1, NM_004509.5, NM_004510.4); c.904A>G, p.Ile302Val (NM_001378447.1); c.1054A>G (NM_004509.3); short protein forms I302V, I352V, I358V.
Identifiers: ClinVar variation 1376222 (VCV001376222.7), dbSNP rs1014974380, ClinGen allele CA66755989.
Genomic context (GRCh38, chr2:230,200,960, plus strand): 5'-GTGGTGTACTAGGCGTCTTCTGGGACCTCTTTCCTTCATTCATTTCTGAAGTGCCATCAA[T>C]GATCTCTGGAAAATGAAAGATCTTAGTAAATGCCCCTTGGGAAACACCATGGAGAATCTC-3'
Protein context (NP_536349.3, residues 342-362): CARKSRSEEI[Ile352Val]DGTSEMNEGK